The following is an entry in ClinVar:

ClinVar aggregate classification (germline): Uncertain significance (1 of 4 stars; one submission).

Conditions:
Anauxetic dysplasia. Identifiers: Orphanet 93347, MedGen C1846796, MONDO:0011773.

Submission:

Labcorp Genetics (formerly Invitae), Labcorp
Classification: Uncertain significance for Anauxetic dysplasia. Last evaluated: 2022-08-02. Review status: criteria provided, single submitter. Criteria: Invitae Variant Classification Sherloc (09022015). Collection method: clinical testing. Allele origin: germline.
Comment: This variant occurs in the RMRP gene, which encodes an RNA molecule that does not result in a protein product. This variant is present in population databases (no rsID available, gnomAD 0.1%). This variant has not been reported in the literature in individuals affected with RMRP-related conditions. Experimental studies and prediction algorithms are not available or were not evaluated, and the functional significance of this variant is currently unknown. In summary, the available evidence is currently insufficient to determine the role of this variant in disease. Therefore, it has been classified as a Variant of Uncertain Significance.

NC_000009.12:g.35658059G>A

Gene: RMRP (RNA component of mitochondrial RNA processing endoribonuclease; minus strand). Cytogenetic location: 9p13.3.
Variant type: single nucleotide variant.
Genome position: GRCh38 VCF-style: chr9-35658059-G-A. GRCh37 (hg19) VCF-style: chr9-35658056-G-A.
Identifiers: ClinVar variation 2197686 (VCV002197686.1), dbSNP rs1171316483, ClinGen allele CA587570272.